The following is an entry in ClinVar:

ClinVar aggregate classification (germline): Uncertain significance (1 of 4 stars; one submission).

Conditions:
Familial thoracic aortic aneurysm and aortic dissection (TAAD). Also called: Thoracic aortic aneurysms and dissections. Identifiers: Orphanet 91387, MedGen C4707243, MONDO:0019625.

Submission:

Ambry Genetics
Classification: Uncertain significance for Familial thoracic aortic aneurysm and aortic dissection. Last evaluated: 2026-06-23. Review status: criteria provided, single submitter. Criteria: Ambry Variant Classification Scheme 2023. Collection method: clinical testing. Allele origin: germline.
Comment: The c.5128_5130delAAG variant (also known as p.K1710del) is located in coding exon 35 of the MYH11 gene. This variant results from an in-frame AAG deletion at nucleotide positions 5128 to 5130. This results in the in-frame deletion of a lysine at codon 1710. This amino acid position is not well conserved in available vertebrate species. In addition, this variant is predicted to be deleterious by in silico analysis (Choi Y et al. PLoS ONE. 2012; 7(10):e46688). Based on the available evidence, the clinical significance of this variant remains unclear.

NM_002474.3(MYH11):c.5128_5130del (p.Lys1710del)

Genes: MYH11 (myosin heavy chain 11; minus strand), NDE1 (nudE neurodevelopment protein 1; plus strand). Cytogenetic location: 16p13.11.
Variant type: Deletion.
Coding change: c.5128_5130del on transcript NM_002474.3 (MANE Select); coding-DNA positions 5128 to 5130, 3 bases deleted (AAG; older notation c.5128_5130delAAG).
Protein change: p.Lys1710del; deletes lysine 1710.
Molecular consequence: intron variant (on NM_017668.3).
Genome position (GRCh38, 1-based): chr16:15,719,261-15,719,263, CTT deleted on the plus strand (AAG on the coding strand, the reverse complement: MYH11 is on the minus strand); deleting any 3 consecutive bases within chr16:15,719,261-15,719,265 gives the same sequence; the c. name uses the placement nearest the transcript's 3' end. VCF-style (leftmost placement, unchanged base first): chr16-15719260-CCTT-C. GRCh37 (hg19) VCF-style: chr16-15813117-CCTT-C.
Other names: c.5149_5151del, p.Lys1717del (NM_001040113.2, NM_001040114.2); c.5128_5130del, p.Lys1710del (NM_022844.3); c.948-4928_948-4926del (NM_001143979.2, NM_017668.3); short protein forms K1710del, K1717del.
Identifiers: ClinVar variation 5025053 (VCV005025053.1).